The following is an entry in ClinVar:

NM_000170.3(GLDC):c.1666-1G>C

Gene: GLDC (glycine decarboxylase; minus strand). Cytogenetic location: 9p24.1.
Variant type: single nucleotide variant.
Coding change: c.1666-1G>C on transcript NM_000170.3 (MANE Select); the canonical splice acceptor site of the intron before coding-DNA position 1666, G replaced by C.
Molecular consequence: splice acceptor variant.
Genome position (GRCh38, 1-based): chr9:6,588,443, C>G on the plus strand (G>C on the coding strand, the complement: GLDC is on the minus strand). VCF-style: chr9-6588443-C-G. GRCh37 (hg19) VCF-style: chr9-6588443-C-G.
Identifiers: ClinVar variation 3640692 (VCV003640692.2).

ClinVar aggregate classification (germline): Likely pathogenic (1 of 4 stars; one submission).

Conditions:
Glycine encephalopathy. Also called: Nonketotic hyperglycinemia; Non-ketotic hyperglycinemia. Identifiers: Orphanet 407, MedGen C0751748, MONDO:0011612, HP:0008288.

gnomAD v4.1: 1 of 1,611,324 alleles (0.000062%); highest among the groups gnomAD compares: Non-Finnish European, 0.000085%; no homozygotes.

Submission:

Labcorp Genetics (formerly Invitae), Labcorp
Classification: Likely pathogenic for Glycine encephalopathy. Last evaluated: 2024-02-14. Review status: criteria provided, single submitter. Criteria: Invitae Variant Classification Sherloc (09022015). Collection method: clinical testing. Allele origin: germline.
Comment: This sequence change affects an acceptor splice site in intron 13 of the GLDC gene. It is expected to disrupt RNA splicing. Variants that disrupt the donor or acceptor splice site typically lead to a loss of protein function (PMID: 16199547), and loss-of-function variants in GLDC are known to be pathogenic (PMID: 16601880). This variant is not present in population databases (gnomAD no frequency). This variant has not been reported in the literature in individuals affected with GLDC-related conditions. Algorithms developed to predict the effect of sequence changes on RNA splicing suggest that this variant may disrupt the consensus splice site. In summary, the currently available evidence indicates that the variant is pathogenic, but additional data are needed to prove that conclusively. Therefore, this variant has been classified as Likely Pathogenic.

Literature cited by the submitters: PubMed 16199547; PubMed 16601880.